The following is an entry in ClinVar:

NM_000276.4(OCRL):c.796C>T (p.Pro266Ser)

Gene: OCRL (OCRL inositol polyphosphate-5-phosphatase; plus strand). Cytogenetic location: Xq26.1.
Variant type: single nucleotide variant.
Coding change: c.796C>T on transcript NM_000276.4 (MANE Select); coding-DNA position 796, C replaced by T.
Protein change: p.Pro266Ser; replaces proline 266 with serine.
Molecular consequence: missense variant.
Genome position (GRCh38, 1-based): chrX:129,560,623, C>T. VCF-style: chrX-129560623-C-T. GRCh37 (hg19) VCF-style: chrX-128694600-C-T.
Other names: c.799C>T, p.Pro267Ser (NM_001318784.2); c.796C>T, p.Pro266Ser (NM_001587.4); short protein forms P266S, P267S.
Identifiers: ClinVar variation 2571932 (VCV002571932.1), dbSNP rs2521883526, ClinGen allele CA414552083.

ClinVar aggregate classification (germline): Uncertain significance (1 of 4 stars; one submission).

Submission:

GeneDx
Classification: Uncertain significance. Last evaluated: 2023-01-09. Review status: criteria provided, single submitter. Criteria: GeneDx Variant Classification Process June 2021. Collection method: clinical testing. Allele origin: germline. Affected: yes.
Comment: Not observed at significant frequency in large population cohorts (gnomAD); In silico analysis supports that this missense variant does not alter protein structure/function; Has not been previously published as pathogenic or benign to our knowledge